The following is an entry in ClinVar:

ClinVar aggregate classification (germline): Benign/Likely benign. Review status: criteria provided, multiple submitters, no conflicts (2 of 4 stars). 3 submissions from 3 submitters: Benign (1); Likely benign (1). 1 of the submissions does not count toward it. Last evaluated 2025-03-10.

Conditions:
ZBTB20-related disorder. Also called: ZBTB20-related condition.

Allele frequency attached by ClinVar (database versions not stated): gnomAD exomes 0.00003; TOPMed 0.00003; gnomAD 0.00006; 1000 Genomes Project 0.00020; 1000 Genomes Project 30x 0.00047.
gnomAD v4.1: 56 of 1,537,170 alleles (0.0036%); highest among the groups gnomAD compares: East Asian, 0.12%; no homozygotes.

Submissions (3):

Labcorp Genetics (formerly Invitae), Labcorp
Classification: Benign. Last evaluated: 2025-03-10. Review status: criteria provided, single submitter. Criteria: Invitae Variant Classification Sherloc (09022015). Collection method: clinical testing. Allele origin: germline.

CeGaT Center for Human Genetics Tuebingen
Classification: Likely benign. Last evaluated: 2024-02-01. Review status: criteria provided, single submitter. Criteria: CeGaT Center For Human Genetics Tuebingen Variant Classification Criteria Version 2. Collection method: clinical testing. Allele origin: germline. Affected: yes. Observed: 1 variant allele.
Comment: ZBTB20: BP4, BS1

PreventionGenetics, part of Exact Sciences
Classification: Likely benign for ZBTB20-related condition. Last evaluated: 2022-05-27. Review status: no assertion criteria provided. Collection method: clinical testing. Allele origin: germline. Not counted in ClinVar's aggregate classification.
Comment: This variant is classified as likely benign based on ACMG/AMP sequence variant interpretation guidelines (Richards et al. 2015 PMID: 25741868, with internal and published modifications).

NM_001348800.3(ZBTB20):c.150C>T (p.His50=)

Genes: ZBTB20 (zinc finger and BTB domain containing 20; minus strand), ZBTB20-AS1 (ZBTB20 antisense RNA 1; plus strand). Cytogenetic location: 3q13.31.
Variant type: single nucleotide variant.
Coding change: c.150C>T on transcript NM_001348800.3 (MANE Select); coding-DNA position 150, C replaced by T.
Protein change: p.His50=; no amino-acid change (histidine 50 retained).
Molecular consequence: synonymous variant. On other transcripts: 5 prime UTR variant (12), non-coding transcript variant (1).
Genome position (GRCh38, 1-based): chr3:114,380,266, G>A on the plus strand (C>T on the coding strand, the complement: ZBTB20 is on the minus strand). VCF-style: chr3-114380266-G-A. GRCh37 (hg19) VCF-style: chr3-114099113-G-A.
Other names: c.150C>T, p.His50= (NM_001164342.2, NM_001348803.3, NM_001393393.1 and 1 more transcripts); c.-70C>T (NM_001164343.2, NM_001164344.4, NM_001164345.4 and 9 more transcripts).
Identifiers: ClinVar variation 2889077 (VCV002889077.26), dbSNP rs559808323, ClinGen allele CA81681044.